The following is an entry in ClinVar:

NM_004655.4(AXIN2):c.731C>T (p.Ser244Leu)

Gene: AXIN2 (axin 2; minus strand). Cytogenetic location: 17q24.1.
Variant type: single nucleotide variant.
Coding change: c.731C>T on transcript NM_004655.4 (MANE Select); coding-DNA position 731, C replaced by T.
Protein change: p.Ser244Leu; replaces serine 244 with leucine.
Molecular consequence: missense variant.
Genome position (GRCh38, 1-based): chr17:65,557,890, G>A on the plus strand (C>T on the coding strand, the complement: AXIN2 is on the minus strand). VCF-style: chr17-65557890-G-A. GRCh37 (hg19) VCF-style: chr17-63554008-G-A.
Other names: c.731C>T (LRG_296t1); c.731C>T, p.Ser244Leu (NM_001363813.1); short protein forms S244L.
Identifiers: ClinVar variation 240029 (VCV000240029.20), dbSNP rs199798353, ClinGen allele CA8719002.
Genomic context (GRCh38, chr17:65,557,890, plus strand): 5'-GTGGACCTCACACTCGCCGTGGCCCTCAGAGTTTTGCTGGACAAGCCAACCACGGTTGGC[G>A]AAAGTTTGCACTTGAAGTCGGCACAAGTCCACTCCTCTTCTTCATTCAAGGTGGGGAGAT-3'
Protein context (NP_004646.3, residues 234-254): WTCADFKCKL[Ser244Leu]PTVVGLSSKT

ClinVar aggregate classification (germline): Uncertain significance. Review status: criteria provided, multiple submitters, no conflicts (2 of 4 stars). 8 submissions from 8 submitters: Uncertain significance (7). 1 of the submissions does not count toward it. Last evaluated 2026-07-24.

Conditions:
AXIN2-related disorder.
Colorectal cancer. Also called: Colorectal cancer, somatic; Malignant Colorectal Neoplasm. Identifiers: MedGen C0346629, MONDO:0005575, OMIM 114500.
Hereditary cancer-predisposing syndrome. Also called: Neoplastic Syndromes, Hereditary; Hereditary neoplastic syndrome; Hereditary Cancer Syndrome; Tumor predisposition. Identifiers: Orphanet 140162, MedGen C0027672, MeSH D009386, MONDO:0015356.
Oligodontia-cancer predisposition syndrome. Also called: TOOTH AGENESIS-COLORECTAL CANCER SYNDROME. Identifiers: Orphanet 300576, MedGen C1837750, MONDO:0012075, OMIM 608615. Disease mechanism: loss of function.

Allele frequency attached by ClinVar (database versions not stated): TOPMed below 0.00001; 1000 Genomes Project 0.00020; 1000 Genomes Project 30x 0.00031.
gnomAD v4.1: 23 of 1,614,156 alleles (0.0014%); highest among the groups gnomAD compares: Non-Finnish European, 0.0017%; no homozygotes.

Submissions (8):

PreventionGenetics, part of Exact Sciences
Classification: Uncertain significance for AXIN2-related condition. Last evaluated: 2026-07-24. Review status: criteria provided, single submitter. Criteria: ACMG Guidelines, 2015. Collection method: clinical testing. Allele origin: germline.
Comment: The AXIN2 c.731C>T variant is predicted to result in the amino acid substitution p.Ser244Leu. To our knowledge, this variant has not been reported in the literature. This variant is reported in 0.0018% of alleles in individuals of European (Non-Finnish) descent in gnomAD and is interpreted as uncertain in ClinVar (Variation ID: 240029). At this time, the clinical significance of this variant is uncertain due to the absence of conclusive functional and genetic evidence.

Women's Health and Genetics/Laboratory Corporation of America, LabCorp
Classification: Uncertain significance. Last evaluated: 2026-05-26. Review status: criteria provided, single submitter. Criteria: LabCorp Variant Classification Summary - May 2015. Collection method: clinical testing. Allele origin: germline.
Comment: Variant summary: AXIN2 c.731C>T (p.Ser244Leu) results in a non-conservative amino acid change in the encoded protein sequence. Algorithms developed to predict the effect of missense changes on protein structure and function are either unavailable or do not agree on the potential impact of this missense change. The variant allele was found at a frequency of 8e-06 in 251440 control chromosomes. The available data on variant occurrences in the general population are insufficient to allow any conclusion about variant significance. To our knowledge, no occurrence of c.731C>T in individuals affected with AXIN2-related conditions and no experimental evidence demonstrating its impact on protein function have been reported. ClinVar contains an entry for this variant (Variation ID: 240029). Based on the evidence outlined above, the variant was classified as uncertain significance.

Labcorp Genetics (formerly Invitae), Labcorp
Classification: Uncertain significance for Oligodontia-cancer predisposition syndrome. Last evaluated: 2026-01-08. Review status: criteria provided, single submitter. Criteria: Invitae Variant Classification Sherloc (09022015). Collection method: clinical testing. Allele origin: germline.
Comment: This sequence change replaces serine, which is neutral and polar, with leucine, which is neutral and non-polar, at codon 244 of the AXIN2 protein (p.Ser244Leu). This variant is present in population databases (rs199798353, gnomAD 0.002%). This variant has not been reported in the literature in individuals affected with AXIN2-related conditions. ClinVar contains an entry for this variant (Variation ID: 240029). An algorithm developed to predict the effect of missense changes on protein structure and function outputs the following: PolyPhen-2: "Benign". The leucine amino acid residue is found in multiple mammalian species, which suggests that this missense change does not adversely affect protein function. In summary, the available evidence is currently insufficient to determine the role of this variant in disease. Therefore, it has been classified as a Variant of Uncertain Significance.

Ambry Genetics
Classification: Uncertain significance for Hereditary cancer-predisposing syndrome. Last evaluated: 2025-06-13. Review status: criteria provided, single submitter. Criteria: Ambry Variant Classification Scheme 2023. Collection method: clinical testing. Allele origin: germline.
Comment: The p.S244L variant (also known as c.731C>T), located in coding exon 1 of the AXIN2 gene, results from a C to T substitution at nucleotide position 731. The serine at codon 244 is replaced by leucine, an amino acid with dissimilar properties. This amino acid position is not well conserved in available vertebrate species. In addition, this alteration is predicted to be tolerated by in silico analysis. Since supporting evidence is limited at this time, the clinical significance of this alteration remains unclear.

Baylor Genetics
Classification: Uncertain significance for Colorectal cancer. Last evaluated: 2024-01-31. Review status: criteria provided, single submitter. Criteria: ACMG Guidelines, 2015. Collection method: clinical testing. Allele origin: unknown.

GeneDx
Classification: Uncertain significance. Last evaluated: 2023-09-06. Review status: criteria provided, single submitter. Criteria: GeneDx Variant Classification Process June 2021. Collection method: clinical testing. Allele origin: germline.
Comment: Not observed at significant frequency in large population cohorts (gnomAD); In silico analysis supports that this missense variant does not alter protein structure/function; Has not been previously published as pathogenic or benign to our knowledge

St. Jude Molecular Pathology, St. Jude Children's Research Hospital
Classification: Uncertain significance for Oligodontia-cancer predisposition syndrome. Last evaluated: 2022-02-24. Review status: criteria provided, single submitter. Criteria: St. Jude Assertion Criteria 2020. Collection method: clinical testing. Allele origin: germline.
Comment: The AXIN2 c.731C>T (p.Ser244Leu) change has a maximum subpopulation frequency of 0.0017% in gnomAD v2.1.1. Seven of seven in silico tools predict a benign effect of this variant on protein function (BP4), but to our knowledge these predictions have not been confirmed by functional assays. To our knowledge, this variant has not been reported in the literature in individuals with oligodontia-cancer predisposition syndrome. In summary, this variant meets criteria to be classified as of uncertain significance based on the ACMG/AMP criteria: BP4.

Department of Pathology and Laboratory Medicine, Sinai Health System
Classification: Uncertain significance. Review status: no assertion criteria provided. Collection method: clinical testing. Allele origin: unknown. Affected: yes. Study: The Canadian Open Genetics Repository (COGR). Not counted in ClinVar's aggregate classification.
Comment: The AXIN2 p.Ser244Leu variant was not identified in the literature but was identified in dbSNP (ID: rs199798353), ClinVar (classified as uncertain significance by Invitae), Cosmic, and LOVD 3.0 (variant effect not shared). The variant was identified in control databases in 2 of 236902 chromosomes at a frequency of 0.000008442 (Genome Aggregation Database March 6, 2019, v2.1.1, non-cancer). The variant was observed in the European (non-Finnish) population in 2 of 102736 chromosomes (freq: 0.000019), but was not observed in the African, Latino, Ashkenazi Jewish, East Asian, European (Finnish), Other, or South Asian populations. The p.Ser244 residue is not conserved in mammals and four out of five computational analyses (PolyPhen-2, SIFT, AlignGVGD, BLOSUM, MutationTaster) do not suggest a high likelihood of impact to the protein; however, this information is not predictive enough to rule out pathogenicity. The variant occurs outside of the splicing consensus sequence and in silico or computational prediction software programs (SpliceSiteFinder, MaxEntScan, NNSPLICE, GeneSplicer) do not predict a difference in splicing. In summary, based on the above information the clinical significance of this variant cannot be determined with certainty at this time. This variant is classified as a variant of uncertain significance.